The following is an entry in ClinVar:

ClinVar aggregate classification (germline): Uncertain significance (1 of 4 stars; one submission).

Conditions:
Congenital myasthenic syndrome 5. Identifiers: Orphanet 590, MedGen C1864233, MONDO:0011281, OMIM 603034.

Allele frequency attached by ClinVar (database versions not stated): gnomAD exomes below 0.00001.
gnomAD v4.1: 1 of 1,612,516 alleles (0.000062%); highest among the groups gnomAD compares: Non-Finnish European, 0.000085%; no homozygotes.

Submission:

Labcorp Genetics (formerly Invitae), Labcorp
Classification: Uncertain significance for Congenital myasthenic syndrome 5. Last evaluated: 2020-08-27. Review status: criteria provided, single submitter. Criteria: Invitae Variant Classification Sherloc (09022015). Collection method: clinical testing. Allele origin: germline.
Comment: This sequence change replaces glycine with glutamic acid at codon 102 of the COLQ protein (p.Gly102Glu). The glycine residue is highly conserved and there is a moderate physicochemical difference between glycine and glutamic acid. This variant is not present in population databases (ExAC no frequency). This variant has not been reported in the literature in individuals with COLQ-related conditions. Algorithms developed to predict the effect of missense changes on protein structure and function are either unavailable or do not agree on the potential impact of this missense change (SIFT: "Deleterious"; PolyPhen-2: "Not Available"; Align-GVGD: "Class C0"). In summary, the available evidence is currently insufficient to determine the role of this variant in disease. Therefore, it has been classified as a Variant of Uncertain Significance.

NM_005677.4(COLQ):c.305G>A (p.Gly102Glu)

Gene: COLQ (collagen like tail subunit of asymmetric acetylcholinesterase; minus strand). Cytogenetic location: 3p25.1.
Variant type: single nucleotide variant.
Coding change: c.305G>A on transcript NM_005677.4 (MANE Select); coding-DNA position 305, G replaced by A.
Protein change: p.Gly102Glu; replaces glycine 102 with glutamic acid.
Molecular consequence: missense variant. On other transcripts: intron variant (1).
Genome position (GRCh38, 1-based): chr3:15,488,222, C>T on the plus strand (G>A on the coding strand, the complement: COLQ is on the minus strand). VCF-style: chr3-15488222-C-T. GRCh37 (hg19) VCF-style: chr3-15529729-C-T.
Other names: c.275G>A, p.Gly92Glu (NM_080538.2); c.219+1303G>A (NM_080539.4); short protein forms G102E, G92E.
Identifiers: ClinVar variation 1020517 (VCV001020517.8), dbSNP rs2062606840, ClinGen allele CA351601023.